The following is an entry in ClinVar:

ClinVar aggregate classification (germline): Uncertain significance (1 of 4 stars; one submission).

Conditions:
Senior-Loken syndrome 8 (SLSN8). Identifiers: Orphanet 3156, MedGen C4225376, MONDO:0014579, OMIM 616307.
Asphyxiating thoracic dystrophy 5 (SRTD5). Also called: SHORT-RIB THORACIC DYSPLASIA 5 WITH OR WITHOUT POLYDACTYLY; SHORT-RIB THORACIC DYSPLASIA 5 WITHOUT POLYDACTYLY. Identifiers: Orphanet 474, MedGen C3280598, MONDO:0013717, OMIM 614376.

Submission:

Labcorp Genetics (formerly Invitae), Labcorp
Classification: Uncertain significance for Senior-Loken syndrome 8; Asphyxiating thoracic dystrophy 5. Last evaluated: 2025-09-15. Review status: criteria provided, single submitter. Criteria: Invitae Variant Classification Sherloc (09022015). Collection method: clinical testing. Allele origin: germline.
Comment: This sequence change replaces lysine, which is basic and polar, with glutamine, which is neutral and polar, at codon 714 of the WDR19 protein (p.Lys714Gln). This variant is not present in population databases (gnomAD no frequency). This variant has not been reported in the literature in individuals affected with WDR19-related conditions. Invitae Evidence Modeling of protein sequence and biophysical properties (such as structural, functional, and spatial information, amino acid conservation, physicochemical variation, residue mobility, and thermodynamic stability) indicates that this missense variant is not expected to disrupt WDR19 protein function with a negative predictive value of 80%. In summary, the available evidence is currently insufficient to determine the role of this variant in disease. Therefore, it has been classified as a Variant of Uncertain Significance.

NM_025132.4(WDR19):c.2140A>C (p.Lys714Gln)

Gene: WDR19 (WD repeat domain 19; plus strand). Cytogenetic location: 4p14.
Variant type: single nucleotide variant.
Coding change: c.2140A>C on transcript NM_025132.4 (MANE Select); coding-DNA position 2140, A replaced by C.
Protein change: p.Lys714Gln; replaces lysine 714 with glutamine.
Molecular consequence: missense variant.
Genome position (GRCh38, 1-based): chr4:39,231,954, A>C. VCF-style: chr4-39231954-A-C. GRCh37 (hg19) VCF-style: chr4-39233574-A-C.
Other names: c.1660A>C, p.Lys554Gln (NM_001317924.2); short protein forms K554Q, K714Q.
Identifiers: ClinVar variation 4783667 (VCV004783667.1).
Genomic context (GRCh38, chr4:39,231,954, plus strand): 5'-GCAATCCGTGTTTATCGGAGAATTGGAAATGTTGGCATAGTGATGTCCTTGGAACAAATA[A>C]AGGTAAACAGCATGTTATAGAATTATCAAGTTAAAATTTAAATGCTATTTTAAGTTAAAT-3'
Protein context (NP_079408.3, residues 704-724): VGIVMSLEQI[Lys714Gln]GIEDYNLLAG